The following is an entry in ClinVar:

ClinVar aggregate classification (germline): Uncertain significance (1 of 4 stars; one submission).

Conditions:
Renal cell carcinoma. Identifiers: Orphanet 217071, MedGen C0007134, MeSH D002292, MONDO:0005086, HP:0005584.

Submission:

Labcorp Genetics (formerly Invitae), Labcorp
Classification: Uncertain significance for Renal cell carcinoma. Last evaluated: 2023-04-12. Review status: criteria provided, single submitter. Criteria: Invitae Variant Classification Sherloc (09022015). Collection method: clinical testing. Allele origin: germline.
Comment: In summary, the available evidence is currently insufficient to determine the role of this variant in disease. Therefore, it has been classified as a Variant of Uncertain Significance. Algorithms developed to predict the effect of sequence changes on RNA splicing suggest that this variant may create or strengthen a splice site. This variant has not been reported in the literature in individuals affected with MET-related conditions. This variant is not present in population databases (gnomAD no frequency). This sequence change affects codon 1230 of the MET mRNA. It is a 'silent' change, meaning that it does not change the encoded amino acid sequence of the MET protein.

NM_000245.4(MET):c.3636G>A (p.Leu1212=)

Gene: MET (MET proto-oncogene, receptor tyrosine kinase; plus strand). Cytogenetic location: 7q31.2.
Variant type: single nucleotide variant.
Coding change: c.3636G>A on transcript NM_000245.4 (MANE Select); coding-DNA position 3636, G replaced by A.
Protein change: p.Leu1212=; no amino-acid change (leucine 1212 retained).
Molecular consequence: synonymous variant.
Genome position (GRCh38, 1-based): chr7:116,783,307, G>A. VCF-style: chr7-116783307-G-A. GRCh37 (hg19) VCF-style: chr7-116423361-G-A.
Other names: c.3690G>A, p.Leu1230= (NM_001127500.3); c.2346G>A, p.Leu782= (NM_001324402.2).
Identifiers: ClinVar variation 2741349 (VCV002741349.3), dbSNP rs2117065298, ClinGen allele CA457219391.
Genomic context (GRCh38, chr7:116,783,307, plus strand): 5'-CATCATTGTAAATTATTCTATTTCAGCCACGGGTAATAATTTTTGTCCTTTCTGTAGGCT[G>A]GATGAAAAATTCACAGTCAAGGTTGCTGATTTTGGTCTTGCCAGAGACATGTATGATAAA-3'
Protein context (NP_000236.2, residues 1202-1222): HRDLAARNCM[Leu1212=]DEKFTVKVAD